The following is an entry in ClinVar:

NM_000138.5(FBN1):c.3012C>G (p.Tyr1004Ter)

Gene: FBN1 (fibrillin 1; minus strand). Cytogenetic location: 15q21.1.
Variant type: single nucleotide variant.
Coding change: c.3012C>G on transcript NM_000138.5 (MANE Select); coding-DNA position 3012, C replaced by G.
Protein change: p.Tyr1004Ter; replaces tyrosine 1004 with a stop codon.
Molecular consequence: nonsense.
Genome position (GRCh38, 1-based): chr15:48,489,921, G>C on the plus strand (C>G on the coding strand, the complement: FBN1 is on the minus strand). VCF-style: chr15-48489921-G-C. GRCh37 (hg19) VCF-style: chr15-48782118-G-C.
Other names: short protein forms Y1004*.
Identifiers: ClinVar variation 42324 (VCV000042324.13), dbSNP rs397515784, ClinGen allele CA013641.
Genomic context (GRCh38, chr15:48,489,921, plus strand): 5'-AGGCTTTCCATTTGTAATTTCTTTTGTGGCAAATCCGGGTCCTCTCGGACACAGCTCCTC[G>C]TACTCAGGAGTATTTCTCATGGGACACTCCTCGCATTCCTCAGTACCCCAGGCTGCCCCG-3'

ClinVar aggregate classification (germline): Pathogenic/Likely pathogenic. Review status: criteria provided, multiple submitters, no conflicts (2 of 4 stars). 6 submissions from 6 submitters: Pathogenic (3); Likely pathogenic (1). 2 of the submissions do not count toward it. Last evaluated 2021-06-21.

Conditions:
Marfan syndrome (MFS). Also called: FBN1-Related Marfan Syndrome; Marfan syndrome, classic; MARFAN SYNDROME, TYPE I; Marfan syndrome type 1; Marfan's syndrome. Identifiers: Orphanet 284963, Orphanet 558, MedGen C0024796, MONDO:0007947, OMIM 154700.
Familial thoracic aortic aneurysm and aortic dissection (TAAD). Also called: Thoracic aortic aneurysms and dissections. Identifiers: Orphanet 91387, MedGen C4707243, MONDO:0019625.

Submissions (6):

Labcorp Genetics (formerly Invitae), Labcorp
Classification: Pathogenic for Marfan syndrome; Familial thoracic aortic aneurysm and aortic dissection. Last evaluated: 2021-06-21. Review status: criteria provided, single submitter. Criteria: Invitae Variant Classification Sherloc (09022015). Collection method: clinical testing. Allele origin: germline.
Comment: This variant is not present in population databases (ExAC no frequency). This variant has been observed in individual(s) with clinical features of FBN1-related conditions (PMID: 24793577, 29543232). ClinVar contains an entry for this variant (Variation ID: 42324). For these reasons, this variant has been classified as Pathogenic. This sequence change creates a premature translational stop signal (p.Tyr1004*) in the FBN1 gene. It is expected to result in an absent or disrupted protein product. Loss-of-function variants in FBN1 are known to be pathogenic (PMID: 17657824, 19293843).

GeneDx
Classification: Pathogenic. Last evaluated: 2020-09-24. Review status: criteria provided, single submitter. Criteria: GeneDx Variant Classification Process June 2021. Collection method: clinical testing. Allele origin: germline. Affected: yes.
Comment: Not observed in large population cohorts (Lek et al., 2016); Nonsense variant predicted to result in protein truncation or nonsense mediated decay in a gene for which loss-of-function is a known mechanism of disease; This variant is associated with the following publications: (PMID: 29543232, 24793577)

Center for Genomics, Ann and Robert H. Lurie Children's Hospital of Chicago
Classification: Pathogenic for Marfan syndrome. Last evaluated: 2017-08-01. Review status: criteria provided, single submitter. Criteria: ACMG Guidelines, 2015. Collection method: clinical testing. Allele origin: germline.
Comment: This variant is not present in large control databases. This variant is present in ClinVar (Variant ID:42324). This variant is predicted to cause a stopgain at this codon, resulting in protein truncation or loss of allelic expression through nonsense-mediated mRNA decay. Loss of function variants are a known mechanism of disease for this gene (Dietz, PMID: 20301510). In summary, this variant is classified as pathogenic based on the predicted impact to the protein.

Laboratory for Molecular Medicine, Mass General Brigham Personalized Medicine
Classification: Likely pathogenic for Marfan syndrome. Last evaluated: 2008-03-01. Review status: criteria provided, single submitter. Criteria: LMM Criteria. Collection method: clinical testing. Allele origin: germline. Observed: 1 variant allele.

Center for Medical Genetics Ghent, University of Ghent
Classification: Pathogenic for Marfan syndrome. Last evaluated: 2017-11-07. Review status: no assertion criteria provided. Collection method: clinical testing. Allele origin: germline. Affected: yes. Not counted in ClinVar's aggregate classification.

Centre for Genomic and Experimental Medicine, University of Edinburgh
Classification: Pathogenic for Familial thoracic aortic aneurysm and aortic dissection. Review status: no assertion criteria provided. Collection method: research. Allele origin: unknown. Affected: yes. Not counted in ClinVar's aggregate classification.

Literature cited by the submitters: PubMed 24793577 (cited by Labcorp Genetics (formerly Invitae), Labcorp); PubMed 29543232 (cited by Labcorp Genetics (formerly Invitae), Labcorp); PubMed 17657824 (cited by Labcorp Genetics (formerly Invitae), Labcorp); PubMed 19293843 (cited by Labcorp Genetics (formerly Invitae), Labcorp).